The following is an entry in ClinVar:

ClinVar aggregate classification (germline): Uncertain significance (1 of 4 stars; one submission).

Conditions:
Charcot-Marie-Tooth disease axonal type 2O. Also called: CHARCOT-MARIE-TOOTH NEUROPATHY, AXONAL, TYPE 2O; CHARCOT-MARIE-TOOTH DISEASE, AXONAL, AUTOSOMAL DOMINANT, TYPE 2O; Charcot-Marie-Tooth Neuropathy Type 2O; Charcot-Marie-Tooth disease, axonal, type 20. Identifiers: Orphanet 284232, MedGen C3280220, MONDO:0013644, OMIM 614228.

Submission:

Labcorp Genetics (formerly Invitae), Labcorp
Classification: Uncertain significance for Charcot-Marie-Tooth disease axonal type 2O. Last evaluated: 2023-11-24. Review status: criteria provided, single submitter. Criteria: Invitae Variant Classification Sherloc (09022015). Collection method: clinical testing. Allele origin: germline.
Comment: This sequence change falls in intron 41 of the DYNC1H1 gene. It does not directly change the encoded amino acid sequence of the DYNC1H1 protein. It affects a nucleotide within the consensus splice site. This variant is not present in population databases (gnomAD no frequency). This variant has not been reported in the literature in individuals affected with DYNC1H1-related conditions. Variants that disrupt the consensus splice site are a relatively common cause of aberrant splicing (PMID: 17576681, 9536098). Algorithms developed to predict the effect of sequence changes on RNA splicing suggest that this variant is not likely to affect RNA splicing. In summary, the available evidence is currently insufficient to determine the role of this variant in disease. Therefore, it has been classified as a Variant of Uncertain Significance.

Literature cited by the submitters: PubMed 17576681; PubMed 9536098.

NM_001376.5(DYNC1H1):c.8343+5G>T

Gene: DYNC1H1 (dynein cytoplasmic 1 heavy chain 1; plus strand). Cytogenetic location: 14q32.31.
Variant type: single nucleotide variant.
Coding change: c.8343+5G>T on transcript NM_001376.5 (MANE Select); 5 bases into the intron after coding-DNA position 8343, G replaced by T.
Molecular consequence: intron variant.
Genome position (GRCh38, 1-based): chr14:102,018,621, G>T. VCF-style: chr14-102018621-G-T. GRCh37 (hg19) VCF-style: chr14-102484958-G-T.
Identifiers: ClinVar variation 2746042 (VCV002746042.3), dbSNP rs369653555, ClinGen allele CA2697554199.
Genomic context (GRCh38, chr14:102,018,621, plus strand): 5'-GGACGTATGCAGAGCCGCTCACTGCTGCCATGGTGGAGTTCTACACCATGTCTCAGGTAC[G>T]CAGAGTTTCTTTGCTCTTCCAGAAATTGTTTTCCTCTCATAATTAAGGCACTCGATTGGT-3'